The following is an entry in ClinVar:

ClinVar aggregate classification (germline): Uncertain significance (1 of 4 stars; one submission).

Conditions:
Inborn genetic diseases. Identifiers: MedGen C0950123, MeSH D030342.

gnomAD v4.1: 1 of 1,613,398 alleles (0.000062%); highest among the groups gnomAD compares: African/African-American, 0.0013%; no homozygotes.

Submission:

Ambry Genetics
Classification: Uncertain significance for Inborn genetic diseases. Last evaluated: 2025-04-19. Review status: criteria provided, single submitter. Criteria: Ambry Variant Classification Scheme 2023. Collection method: clinical testing. Allele origin: germline.
Comment: The p.R985K variant (also known as c.2954G>A), located in coding exon 13 of the MECOM gene, results from a G to A substitution at nucleotide position 2954. The arginine at codon 985 is replaced by lysine, an amino acid with highly similar properties. This amino acid position is conserved. In addition, this alteration is predicted to be tolerated by in silico analysis. Based on the available evidence, the clinical significance of this variant remains unclear.

NM_004991.4(MECOM):c.2954G>A (p.Arg985Lys)

Gene: MECOM (MDS1 and EVI1 complex locus; minus strand). Cytogenetic location: 3q26.2.
Variant type: single nucleotide variant.
Coding change: c.2954G>A on transcript NM_004991.4 (MANE Select); coding-DNA position 2954, G replaced by A.
Protein change: p.Arg985Lys; replaces arginine 985 with lysine.
Molecular consequence: missense variant.
Genome position (GRCh38, 1-based): chr3:169,095,141, C>T on the plus strand (G>A on the coding strand, the complement: MECOM is on the minus strand). VCF-style: chr3-169095141-C-T. GRCh37 (hg19) VCF-style: chr3-168812929-C-T.
Other names: c.2585G>A, p.Arg862Lys (NM_001105077.4); c.2390G>A, p.Arg797Lys (NM_001105078.4, NM_001205194.2, NM_001366469.2 and 1 more transcripts); c.2366G>A, p.Arg789Lys (NM_001163999.2, NM_001366470.2); c.2363G>A, p.Arg788Lys (NM_001164000.2, NM_001366471.2, NM_001366472.2); c.2927G>A, p.Arg976Lys (NM_001366466.2); c.2393G>A, p.Arg798Lys (NM_001366467.2, NM_001366468.2); c.1955G>A, p.Arg652Lys (NM_001366473.2); c.1391G>A, p.Arg464Lys (NM_001366474.2); short protein forms R652K, R788K, R789K, R797K, R862K, R976K, R464K, R798K.
Identifiers: ClinVar variation 4053208 (VCV004053208.1).
Genomic context (GRCh38, chr3:169,095,141, plus strand): 5'-ATGTTCCCATTCTCATGTTTCTTTAGGTGTCTGTCTAAATTGGTTTGTTGACCAAAACAC[C>T]TATCACATAAGTGACACTTAAATGGCTTCTCTTTATTGTGGATGTTGCGAACATGCCTTT-3'
Protein context (NP_004982.2, residues 975-995): EKPFKCHLCD[Arg985Lys]CFGQQTNLDR